The following is an entry in ClinVar:

NM_000069.3(CACNA1S):c.1150+3T>C

Gene: CACNA1S (calcium voltage-gated channel subunit alpha1 S; minus strand). Cytogenetic location: 1q32.1.
Variant type: single nucleotide variant.
Coding change: c.1150+3T>C on transcript NM_000069.3 (MANE Select); 3 bases into the intron after coding-DNA position 1150, T replaced by C.
Molecular consequence: intron variant.
Genome position (GRCh38, 1-based): chr1:201,085,433, A>G on the plus strand (T>C on the coding strand, the complement: CACNA1S is on the minus strand). VCF-style: chr1-201085433-A-G. GRCh37 (hg19) VCF-style: chr1-201054561-A-G.
Identifiers: ClinVar variation 1461220 (VCV001461220.7), dbSNP rs770379814, ClinGen allele CA077982.
Genomic context (GRCh38, chr1:201,085,433, plus strand): 5'-TATGACTCAGAGGTGGGAGTGAGAGAGTGGGGTGAGTGCTGACCACAGCCTTTGGGCCCA[A>G]ACCTTCTCTGAAGTCCTCAACATCCATGACCTCGCCCTGCGTGATCCAGCTCATGTAGCC-3'

ClinVar aggregate classification (germline): Uncertain significance. Review status: criteria provided, multiple submitters, no conflicts (2 of 4 stars). 2 submissions from 2 submitters: Uncertain significance (2). Last evaluated 2024-04-15.

Conditions:
Hypokalemic periodic paralysis, type 1. Also called: HypoPP; Hypokalemic Periodic Paralysis Type 1 (AD). Identifiers: Orphanet 681, MedGen C3714580, MONDO:0042979, OMIM 170400.
Malignant hyperthermia, susceptibility to, 5 (MHS5). Also called: CACNA1S-Related Malignant Hyperthermia Susceptibility. Identifiers: Orphanet 423, MedGen C1866077, MONDO:0011163, OMIM 601887.
Congenital myopathy 18. Also called: Myopathy, congenital, due to dihydropyridine receptor defect; DIHYDROPYRIDINE RECEPTOR CONGENITAL MYOPATHY; DHPR CONGENITAL MYOPATHY. Identifiers: MedGen C5830283, MONDO:0859514, OMIM 620246.
Thyrotoxic periodic paralysis, susceptibility to, 1 (TTPP1). Identifiers: Orphanet 79102, MedGen C2749982, MONDO:0008570, OMIM 188580.

gnomAD v4.1: 1 of 1,613,604 alleles (0.000062%); highest among the groups gnomAD compares: Admixed American, 0.0017%; no homozygotes.

Submissions (2):

Fulgent Genetics
Classification: Uncertain significance for Hypokalemic periodic paralysis, type 1; Thyrotoxic periodic paralysis, susceptibility to, 1; Malignant hyperthermia, susceptibility to, 5; Congenital myopathy 18. Last evaluated: 2024-04-15. Review status: criteria provided, single submitter. Criteria: ACMG Guidelines, 2015. Collection method: clinical testing. Allele origin: germline.

Labcorp Genetics (formerly Invitae), Labcorp
Classification: Uncertain significance for Hypokalemic periodic paralysis, type 1; Malignant hyperthermia, susceptibility to, 5. Last evaluated: 2021-07-21. Review status: criteria provided, single submitter. Criteria: Invitae Variant Classification Sherloc (09022015). Collection method: clinical testing. Allele origin: germline.
Comment: In summary, the available evidence is currently insufficient to determine the role of this variant in disease. Therefore, it has been classified as a Variant of Uncertain Significance. Nucleotide substitutions within the consensus splice site are a relatively common cause of aberrant splicing (PMID: 17576681, 9536098). Algorithms developed to predict the effect of sequence changes on RNA splicing suggest that this variant may disrupt the consensus splice site. This variant has not been reported in the literature in individuals affected with CACNA1S-related conditions. This variant is present in population databases (rs770379814, ExAC 0.009%). This sequence change falls in intron 8 of the CACNA1S gene. It does not directly change the encoded amino acid sequence of the CACNA1S protein. It affects a nucleotide within the consensus splice site of the intron.

Literature cited by the submitters: PubMed 17576681 (cited by Labcorp Genetics (formerly Invitae), Labcorp); PubMed 9536098 (cited by Labcorp Genetics (formerly Invitae), Labcorp).